The following is an entry in ClinVar:

ClinVar aggregate classification (germline): Uncertain significance (1 of 4 stars; one submission).

Submission:

GeneDx
Classification: Uncertain significance. Last evaluated: 2025-06-28. Review status: criteria provided, single submitter. Criteria: GeneDx Variant Classification Process June 2021. Collection method: clinical testing. Allele origin: germline.
Comment: Not observed at significant frequency in large population cohorts (gnomAD); In silico analysis suggests that this missense variant does not alter protein structure/function; Has not been previously published as pathogenic or benign to our knowledge

NM_000240.4(MAOA):c.949A>C (p.Lys317Gln)

Gene: MAOA (monoamine oxidase A; plus strand). Cytogenetic location: Xp11.3.
Variant type: single nucleotide variant.
Coding change: c.949A>C on transcript NM_000240.4 (MANE Select); coding-DNA position 949, A replaced by C.
Protein change: p.Lys317Gln; replaces lysine 317 with glutamine.
Molecular consequence: missense variant.
Genome position (GRCh38, 1-based): chrX:43,731,847, A>C. VCF-style: chrX-43731847-A-C. GRCh37 (hg19) VCF-style: chrX-43591094-A-C.
Other names: c.550A>C, p.Lys184Gln (NM_001270458.2); short protein forms K184Q, K317Q.
Identifiers: ClinVar variation 3898862 (VCV003898862.2).